The following is an entry in ClinVar:

NM_201548.5(CERKL):c.652G>A (p.Glu218Lys)

Gene: CERKL (CERK like autophagy regulator; minus strand). Cytogenetic location: 2q31.3.
Variant type: single nucleotide variant.
Coding change: c.652G>A on transcript NM_201548.5 (MANE Select); coding-DNA position 652, G replaced by A.
Protein change: p.Glu218Lys; replaces glutamic acid 218 with lysine.
Molecular consequence: missense variant. On other transcripts: intron variant (2).
Genome position (GRCh38, 1-based): chr2:181,566,083, C>T on the plus strand (G>A on the coding strand, the complement: CERKL is on the minus strand). VCF-style: chr2-181566083-C-T. GRCh37 (hg19) VCF-style: chr2-182430810-C-T.
Other names: c.652G>A, p.Glu218Lys (NM_001030311.3); c.520G>A, p.Glu174Lys (NM_001160277.2); c.482-16375G>A (NM_001030312.3); c.613+7670G>A (NM_001030313.3); short protein forms E174K, E218K.
Identifiers: ClinVar variation 1419938 (VCV001419938.7), dbSNP rs778306988, ClinGen allele CA2010741.
Genomic context (GRCh38, chr2:181,566,083, plus strand): 5'-TGATATAACATATATTGATTAATAATATAACCTACCCATCAAATCCCTGGAGTTCACATT[C>T]CTTAAGCAGTGACAGAGCGTGCCCTTCATATTCCATTACTATTAAAAAAACACACACACA-3'
Protein context (NP_963842.1, residues 208-228): YEGHALSLLK[Glu218Lys]CELQGFDGVV

ClinVar aggregate classification (germline): Uncertain significance. Review status: criteria provided, multiple submitters, no conflicts (2 of 4 stars). 3 submissions from 3 submitters: Uncertain significance (2). 1 of the submissions does not count toward it. Last evaluated 2022-06-05.

Conditions:
Retinal dystrophy. Also called: Inherited retinal dystrophy. Identifiers: Orphanet 71862, MedGen C0854723, MeSH D058499, MONDO:0019118, HP:0000556.

Allele frequency attached by ClinVar (database versions not stated): TOPMed below 0.00001; ExAC 0.00001; gnomAD 0.00001; gnomAD exomes 0.00001.
gnomAD v4.1: 7 of 1,610,314 alleles (0.00043%); highest among the groups gnomAD compares: Non-Finnish European, 0.00017%; no homozygotes.

Submissions (3):

Blueprint Genetics
Classification: Uncertain significance. Last evaluated: 2022-06-05. Review status: criteria provided, single submitter. Criteria: ACMG Guidelines, 2015. Collection method: clinical testing. Allele origin: germline.

Labcorp Genetics (formerly Invitae), Labcorp
Classification: Uncertain significance. Last evaluated: 2021-08-28. Review status: criteria provided, single submitter. Criteria: Invitae Variant Classification Sherloc (09022015). Collection method: clinical testing. Allele origin: germline.
Comment: This sequence change replaces glutamic acid with lysine at codon 218 of the CERKL protein (p.Glu218Lys). The glutamic acid residue is highly conserved and there is a small physicochemical difference between glutamic acid and lysine. This variant is present in population databases (rs778306988, ExAC 0.02%). This variant has not been reported in the literature in individuals affected with CERKL-related conditions. Algorithms developed to predict the effect of missense changes on protein structure and function are either unavailable or do not agree on the potential impact of this missense change (SIFT: "Deleterious"; PolyPhen-2: "Benign"; Align-GVGD: "Class C0"). In summary, the available evidence is currently insufficient to determine the role of this variant in disease. Therefore, it has been classified as a Variant of Uncertain Significance.

Institute of Human Genetics, Univ. Regensburg, Univ. Regensburg
Classification: Uncertain significance for Retinal dystrophy. Last evaluated: 2020-01-01. Review status: no assertion criteria provided. Criteria: ACMG Guidelines, 2015. Collection method: clinical testing. Allele origin: germline. Affected: yes. Not counted in ClinVar's aggregate classification.